The following is an entry in ClinVar:

NM_175737.4(KLB):c.527G>A (p.Ser176Asn)

Gene: KLB (klotho beta; plus strand). Cytogenetic location: 4p14.
Variant type: single nucleotide variant.
Coding change: c.527G>A on transcript NM_175737.4 (MANE Select); coding-DNA position 527, G replaced by A.
Protein change: p.Ser176Asn; replaces serine 176 with asparagine.
Molecular consequence: missense variant.
Genome position (GRCh38, 1-based): chr4:39,407,476, G>A. VCF-style: chr4-39407476-G-A. GRCh37 (hg19) VCF-style: chr4-39409096-G-A.
Other names: short protein forms S176N.
Identifiers: ClinVar variation 2524761 (VCV002524761.5), dbSNP rs187055696, ClinGen allele CA2893670.

ClinVar aggregate classification (germline): Conflicting classifications of pathogenicity. Review status: criteria provided, conflicting classifications (1 of 4 stars). 2 submissions from 2 submitters: Uncertain significance (1); Likely benign (1). Last evaluated 2023-04-18.

Allele frequency attached by ClinVar (database versions not stated): ExAC 0.00001; gnomAD 0.00001; gnomAD exomes 0.00001; TOPMed 0.00002; 1000 Genomes Project 30x 0.00016; 1000 Genomes Project 0.00020.
gnomAD v4.1: 11 of 1,614,158 alleles (0.00068%); highest among the groups gnomAD compares: East Asian, 0.011%; no homozygotes.

Submissions (2):

Ambry Genetics
Classification: Likely benign. Last evaluated: 2023-04-18. Review status: criteria provided, single submitter. Criteria: Ambry Variant Classification Scheme 2023. Collection method: clinical testing. Allele origin: germline.

Labcorp Genetics (formerly Invitae), Labcorp
Classification: Uncertain significance. Last evaluated: 2022-12-31. Review status: criteria provided, single submitter. Criteria: Invitae Variant Classification Sherloc (09022015). Collection method: clinical testing. Allele origin: germline.
Comment: In summary, the available evidence is currently insufficient to determine the role of this variant in disease. Therefore, it has been classified as a Variant of Uncertain Significance. Advanced modeling of protein sequence and biophysical properties (such as structural, functional, and spatial information, amino acid conservation, physicochemical variation, residue mobility, and thermodynamic stability) performed at Invitae indicates that this missense variant is not expected to disrupt KLB protein function. This variant has not been reported in the literature in individuals affected with KLB-related conditions. This variant is present in population databases (rs187055696, gnomAD 0.02%). This sequence change replaces serine, which is neutral and polar, with asparagine, which is neutral and polar, at codon 176 of the KLB protein (p.Ser176Asn).